The following is an entry in ClinVar:

NM_000507.4(FBP1):c.960del (p.Ser321fs)

Gene: FBP1 (fructose-bisphosphatase 1; minus strand). Cytogenetic location: 9q22.32.
Variant type: Deletion.
Coding change: c.960del on transcript NM_000507.4 (MANE Select); coding-DNA position 960, one base deleted (A; older notation c.960delA).
Protein change: p.Ser321fs; shifts the reading frame from serine 321.
Molecular consequence: frameshift variant.
Genome position (GRCh38, 1-based): chr9:94,603,438, T deleted on the plus strand (A on the coding strand, the reverse complement: FBP1 is on the minus strand). VCF-style (leftmost placement, unchanged base first): chr9-94603437-AT-A. GRCh37 (hg19) VCF-style: chr9-97365719-AT-A.
Other names: c.960del, p.Ser321fs (NM_001127628.2); short protein forms S321fs.
Identifiers: ClinVar variation 2797845 (VCV002797845.3), dbSNP rs2538927195, ClinGen allele CA2739269400.

ClinVar aggregate classification (germline): Pathogenic (1 of 4 stars; one submission).

Conditions:
Fructose-biphosphatase deficiency (FBP1D). Also called: Fructose 1,6 Bisphosphatase Deficiency; Fructose-1,6-Bisphosphatase 1 Deficiency; Fructose-1,6-Diphosphatase Deficiency. Identifiers: Orphanet 348, MedGen C0016756, MONDO:0009251, OMIM 229700.

Submission:

Labcorp Genetics (formerly Invitae), Labcorp
Classification: Pathogenic for Fructose-biphosphatase deficiency. Last evaluated: 2024-01-16. Review status: criteria provided, single submitter. Criteria: Invitae Variant Classification Sherloc (09022015). Collection method: clinical testing. Allele origin: germline.
Comment: This sequence change creates a premature translational stop signal (p.Ser321Profs*9) in the FBP1 gene. While this is not anticipated to result in nonsense mediated decay, it is expected to disrupt the last 18 amino acid(s) of the FBP1 protein. This variant is not present in population databases (gnomAD no frequency). This variant has not been reported in the literature in individuals affected with FBP1-related conditions. This variant disrupts a region of the FBP1 protein in which other variant(s) (p.Leu329Pro) have been determined to be pathogenic (PMID: 30858132). This suggests that this is a clinically significant region of the protein, and that variants that disrupt it are likely to be disease-causing. For these reasons, this variant has been classified as Pathogenic.

Literature cited by the submitters: PubMed 30858132.